The following is an entry in ClinVar:

ClinVar aggregate classification (germline): Uncertain significance (1 of 4 stars; one submission).

Conditions:
Chuvash polycythemia. Also called: POLYCYTHEMIA, VHL-DEPENDENT. Identifiers: Orphanet 238557, MedGen C1837915, MONDO:0009892, OMIM 263400.
Von Hippel-Lindau syndrome (VHLS). Also called: von Hippel–Lindau syndrome; Von Hippel-Lindau; VHL syndrome. Identifiers: Orphanet 892, MedGen C0019562, MONDO:0008667, OMIM 193300. Disease mechanism: loss of function.

Submission:

Labcorp Genetics (formerly Invitae), Labcorp
Classification: Uncertain significance for Von Hippel-Lindau syndrome; Chuvash polycythemia. Last evaluated: 2021-08-31. Review status: criteria provided, single submitter. Criteria: Invitae Variant Classification Sherloc (09022015). Collection method: clinical testing. Allele origin: germline.
Comment: This sequence change replaces glycine with alanine at codon 39 of the VHL protein (p.Gly39Ala). The glycine residue is weakly conserved and there is a small physicochemical difference between glycine and alanine. The frequency data for this variant in the population databases is considered unreliable, as metrics indicate insufficient coverage at this position in the ExAC database. This variant has not been reported in the literature in individuals affected with VHL-related conditions. Advanced modeling of protein sequence and biophysical properties (such as structural, functional, and spatial information, amino acid conservation, physicochemical variation, residue mobility, and thermodynamic stability) performed at Invitae indicates that this missense variant is not expected to disrupt VHL protein function. In summary, the available evidence is currently insufficient to determine the role of this variant in disease. Therefore, it has been classified as a Variant of Uncertain Significance.

NM_000551.4(VHL):c.116G>C (p.Gly39Ala)

Gene: VHL (von Hippel-Lindau tumor suppressor; plus strand). Cytogenetic location: 3p25.3.
Variant type: single nucleotide variant.
Coding change: c.116G>C on transcript NM_000551.4 (MANE Select); coding-DNA position 116, G replaced by C.
Protein change: p.Gly39Ala; replaces glycine 39 with alanine.
Molecular consequence: missense variant.
Genome position (GRCh38, 1-based): chr3:10,141,963, G>C. VCF-style: chr3-10141963-G-C. GRCh37 (hg19) VCF-style: chr3-10183647-G-C.
Other names: c.116G>C, p.Gly39Ala (NM_001354723.2, NM_198156.3); short protein forms G39A.
Identifiers: ClinVar variation 1947272 (VCV001947272.2), dbSNP rs368473853, ClinGen allele CA351747880.